The following is an entry in ClinVar:

NM_000542.5(SFTPB):c.370A>G (p.Ile124Val)

Gene: SFTPB (surfactant protein B; minus strand). Cytogenetic location: 2p11.2.
Variant type: single nucleotide variant.
Coding change: c.370A>G on transcript NM_000542.5 (MANE Select); coding-DNA position 370, A replaced by G.
Protein change: p.Ile124Val; replaces isoleucine 124 with valine.
Molecular consequence: missense variant.
Genome position (GRCh38, 1-based): chr2:85,666,640, T>C on the plus strand (A>G on the coding strand, the complement: SFTPB is on the minus strand). VCF-style: chr2-85666640-T-C. GRCh37 (hg19) VCF-style: chr2-85893763-T-C.
Other names: c.370A>G, p.Ile124Val (NM_001367281.2, NM_198843.4); short protein forms I124V.
Identifiers: ClinVar variation 1737529 (VCV001737529.2), dbSNP rs2466699768, ClinGen allele CA347491002.

ClinVar aggregate classification (germline): Uncertain significance (1 of 4 stars; one submission).

Conditions:
Hereditary pulmonary alveolar proteinosis. Also called: Pulmonary surfactant metabolism dysfunction. Identifiers: Orphanet 264675, MedGen C3711368, MONDO:0012580.

Allele frequency attached by ClinVar (database versions not stated): gnomAD exomes below 0.00001.
gnomAD v4.1: 1 of 1,613,640 alleles (0.000062%); highest among the groups gnomAD compares: Non-Finnish European, 0.000085%; no homozygotes.

Submission:

Ambry Genetics
Classification: Uncertain significance for Hereditary pulmonary alveolar proteinosis. Last evaluated: 2019-07-02. Review status: criteria provided, single submitter. Criteria: Ambry Variant Classification Scheme 2023. Collection method: clinical testing. Allele origin: germline.
Comment: The p.I136V variant (also known as c.406A>G), located in coding exon 4 of the SFTPB gene, results from an A to G substitution at nucleotide position 406. The isoleucine at codon 136 is replaced by valine, an amino acid with highly similar properties. This amino acid position is well conserved in available vertebrate species; however, valine is the reference amino acid in other vertebrate species. In addition, this alteration is predicted to be tolerated by in silico analysis. Since supporting evidence is limited at this time, the clinical significance of this alteration remains unclear.